The following is an entry in ClinVar:

NM_133433.4(NIPBL):c.3575-9C>G

Gene: NIPBL (NIPBL cohesin loading factor; plus strand). Cytogenetic location: 5p13.2.
Variant type: single nucleotide variant.
Coding change: c.3575-9C>G on transcript NM_133433.4 (MANE Select); 9 bases into the intron before coding-DNA position 3575, C replaced by G.
Molecular consequence: intron variant.
Genome position (GRCh38, 1-based): chr5:37,000,980, C>G. VCF-style: chr5-37000980-C-G. GRCh37 (hg19) VCF-style: chr5-37001082-C-G.
Other names: c.3575-9C>G (NM_015384.5).
Identifiers: ClinVar variation 3030252 (VCV003030252.3), dbSNP rs762888772, ClinGen allele CA3236387.

ClinVar aggregate classification (germline): Likely benign. Review status: criteria provided, single submitter (1 of 4 stars). 2 submissions from 2 submitters: Likely benign (1). 1 of the submissions does not count toward it. Last evaluated 2025-07-08.

Conditions:
NIPBL-related disorder. Also called: NIPBL-related condition.
Cornelia de Lange syndrome 1 (CDLS1). Also called: Brachmann de Lange syndrome; NIPBL-Related Cornelia de Lange Syndrome; TYPUS DEGENERATIVUS AMSTELODAMENSIS. Identifiers: Orphanet 199, MedGen C4551851, MONDO:0007387, OMIM 122470.

Allele frequency attached by ClinVar (database versions not stated): TOPMed below 0.00001; gnomAD 0.00003; ExAC 0.00005.
gnomAD v4.1: 46 of 1,605,296 alleles (0.0029%); highest among the groups gnomAD compares: South Asian, 0.043%; no homozygotes.

Submissions (2):

Labcorp Genetics (formerly Invitae), Labcorp
Classification: Likely benign for Cornelia de Lange syndrome 1. Last evaluated: 2025-07-08. Review status: criteria provided, single submitter. Criteria: Invitae Variant Classification Sherloc (09022015). Collection method: clinical testing. Allele origin: germline.

PreventionGenetics, part of Exact Sciences
Classification: Likely benign for NIPBL-related condition. Last evaluated: 2020-12-17. Review status: no assertion criteria provided. Collection method: clinical testing. Allele origin: germline. Not counted in ClinVar's aggregate classification.
Comment: This variant is classified as likely benign based on ACMG/AMP sequence variant interpretation guidelines (Richards et al. 2015 PMID: 25741868, with internal and published modifications).